The following is an entry in ClinVar:

ClinVar aggregate classification (germline): Likely pathogenic. Review status: criteria provided, multiple submitters, no conflicts (2 of 4 stars). 2 submissions from 2 submitters: Likely pathogenic (2). Last evaluated 2023-05-23.

Conditions:
Miyoshi muscular dystrophy 1 (MMD1). Identifiers: Orphanet 45448, MedGen C4551973, MONDO:0024545, OMIM 254130.
Neuromuscular disease caused by qualitative or quantitative defects of dysferlin. Also called: Qualitative or quantitative defects of dysferlin; Dysferlinopathy. Identifiers: Orphanet 207073, MedGen C2931687, MONDO:0016145.

Submissions (2):

Labcorp Genetics (formerly Invitae), Labcorp
Classification: Likely pathogenic for Neuromuscular disease caused by qualitative or quantitative defects of dysferlin. Last evaluated: 2023-05-23. Review status: criteria provided, single submitter. Criteria: Invitae Variant Classification Sherloc (09022015). Collection method: clinical testing. Allele origin: germline.
Comment: In summary, the currently available evidence indicates that the variant is pathogenic, but additional data are needed to prove that conclusively. Therefore, this variant has been classified as Likely Pathogenic. Variants that disrupt the consensus splice site are a relatively common cause of aberrant splicing (PMID: 17576681, 9536098). Algorithms developed to predict the effect of sequence changes on RNA splicing suggest that this variant is not likely to affect RNA splicing. This variant is also known as c.1175_1176insGCAGAGTG. This variant has been observed in individual(s) with Limb-Girdle Muscular Dystrophy (PMID: 30919934, 33751525). This variant is present in population databases (no rsID available, gnomAD 0.007%). This sequence change falls in intron 12 of the DYSF gene. It does not directly change the encoded amino acid sequence of the DYSF protein. It affects a nucleotide within the consensus splice site.

Baylor Genetics
Classification: Likely pathogenic for Miyoshi muscular dystrophy 1. Last evaluated: 2022-07-07. Review status: criteria provided, single submitter. Criteria: ACMG Guidelines, 2015. Collection method: clinical testing. Allele origin: unknown.

Literature cited by the submitters: PubMed 17576681 (cited by Labcorp Genetics (formerly Invitae), Labcorp); PubMed 9536098 (cited by Labcorp Genetics (formerly Invitae), Labcorp); PubMed 30919934 (cited by Labcorp Genetics (formerly Invitae), Labcorp); PubMed 33751525 (cited by Labcorp Genetics (formerly Invitae), Labcorp).

NM_001130987.2(DYSF):c.1272_1276+3dup

Gene: DYSF (dysferlin; plus strand). Cytogenetic location: 2p13.2.
Variant type: Duplication.
Coding change: c.1272_1276+3dup on transcript NM_001130987.2 (MANE Select); coding-DNA position 1272 through 3 bases into the intron after coding-DNA position 1276, 8 bases duplicated (GCAGAGTG; older notation c.1272_1276+3dupGCAGAGTG).
Molecular consequence: splice donor variant.
Genome position (GRCh38, 1-based): chr2:71,526,342-71,526,349, GCAGAGTG duplicated. VCF-style (leftmost placement, unchanged base first): chr2-71526341-C-CGCAGAGTG. GRCh37 (hg19) VCF-style: chr2-71753471-C-CGCAGAGTG.
Other names: c.1269_1273+3dup (NM_001130979.2, NM_001130981.2, NM_001130980.2); c.1176_1180+3dup (NM_001130978.2, NM_003494.4, NM_001130977.2 and 1 more transcripts); c.1272_1276+3dup (NM_001130982.2, NM_001130985.2); c.1179_1183+3dup (NM_001130983.2, NM_001130455.2, NM_001130984.2 and 1 more transcripts).
Identifiers: ClinVar variation 2675002 (VCV002675002.4), dbSNP rs1559080091, ClinGen allele CA533256297.